The following is an entry in ClinVar:

ClinVar aggregate classification (germline): Likely benign. Review status: criteria provided, multiple submitters, no conflicts (2 of 4 stars). 2 submissions from 2 submitters: Likely benign (2). Last evaluated 2025-05-01.

Conditions:
CDHR1-related disorder. Also called: CDHR1-related condition.

gnomAD v4.1: 57 of 1,550,858 alleles (0.0037%); highest among the groups gnomAD compares: East Asian, 0.1%; no homozygotes.

Submissions (2):

PreventionGenetics, part of Exact Sciences
Classification: Likely benign for CDHR1-related condition. Last evaluated: 2025-05-01. Review status: criteria provided, single submitter. Criteria: ACMG Guidelines, 2015. Collection method: clinical testing. Allele origin: germline.
Comment: This variant is classified as likely benign based on ACMG/AMP sequence variant interpretation guidelines (Richards et al. 2015 PMID: 25741868, with internal and published modifications).

Blueprint Genetics
Classification: Likely benign. Last evaluated: 2024-11-27. Review status: criteria provided, single submitter. Criteria: ACMG Guidelines, 2015. Collection method: clinical testing. Allele origin: germline.

NM_001171971.3(CDHR1):c.2170G>A (p.Ala724Thr)

Gene: CDHR1 (cadherin related family member 1; plus strand). Cytogenetic location: 10q23.1.
Variant type: single nucleotide variant.
Coding change: c.2170G>A on transcript NM_001171971.3; coding-DNA position 2170, G replaced by A.
Protein change: p.Ala724Thr; replaces alanine 724 with threonine.
Molecular consequence: missense variant.
Genome position (GRCh38, 1-based): chr10:84,219,208, G>A. VCF-style: chr10-84219208-G-A. GRCh37 (hg19) VCF-style: chr10-85978964-G-A.
Other names: short protein forms A724T.
Identifiers: ClinVar variation 4908423 (VCV004908423.2).
Genomic context (GRCh38, chr10:84,219,208, plus strand): 5'-TTTAAGCCCAAGAAACCACATTCCAGCCAGGGTCTGTTCTTGCATCCCCACTGCGAAATT[G>A]CCTTATTCAATCTGAGTAATGTGAATCTGTACTCTAGAGTTTTTCAAGGGGCAGCCCAAG-3'